The following is an entry in ClinVar:

NM_000486.6(AQP2):c.782C>T (p.Ser261Leu)

Genes: AQP2 (aquaporin 2; plus strand), AQP5-AS1 (AQP5 and AQP2 antisense RNA 2; minus strand). Cytogenetic location: 12q13.12.
Variant type: single nucleotide variant.
Coding change: c.782C>T on transcript NM_000486.6 (MANE Select); coding-DNA position 782, C replaced by T.
Protein change: p.Ser261Leu; replaces serine 261 with leucine.
Molecular consequence: missense variant.
Genome position (GRCh38, 1-based): chr12:49,955,574, C>T. VCF-style: chr12-49955574-C-T. GRCh37 (hg19) VCF-style: chr12-50349357-C-T.
Other names: short protein forms S261L.
Identifiers: ClinVar variation 1028289 (VCV001028289.3), dbSNP rs376000406, ClinGen allele CA236735974.

ClinVar aggregate classification (germline): Uncertain significance. Review status: criteria provided, multiple submitters, no conflicts (2 of 4 stars). 3 submissions from 3 submitters: Uncertain significance (2). 1 of the submissions does not count toward it. Last evaluated 2024-01-12.

Conditions:
Diabetes insipidus, nephrogenic, autosomal (NDI2). Also called: Diabetes insipidus, nephrogenic, 2, autosomal; Nephrogenic Diabetes Insipidus, Type II. Identifiers: Orphanet 223, MedGen C1563706, MONDO:0007451, OMIM 125800.

Allele frequency attached by ClinVar (database versions not stated): gnomAD exomes 0.00001; gnomAD 0.00005; TOPMed 0.00005; ESP Exome Variant Server 0.00008.
gnomAD v4.1: 55 of 1,587,794 alleles (0.0035%); highest among the groups gnomAD compares: African/African-American, 0.0054%; no homozygotes.

Submissions (3):

Fulgent Genetics
Classification: Uncertain significance for Diabetes insipidus, nephrogenic, autosomal. Last evaluated: 2024-01-12. Review status: criteria provided, single submitter. Criteria: ACMG Guidelines, 2015. Collection method: clinical testing. Allele origin: germline.

Baylor Genetics
Classification: Uncertain significance for Diabetes insipidus, nephrogenic, autosomal. Last evaluated: 2019-09-19. Review status: criteria provided, single submitter. Criteria: ACMG Guidelines, 2015. Collection method: clinical testing. Allele origin: unknown. Affected: yes.
Comment: This variant was determined to be of uncertain significance according to ACMG Guidelines, 2015 [PMID:25741868].

Yale Center for Mendelian Genomics, Yale University
Classification: Likely pathogenic for Diabetes insipidus, nephrogenic, autosomal. Last evaluated: 2019-02-14. Review status: no assertion criteria provided. Collection method: literature only. Allele origin: germline. Affected: yes. Observed: 1 heterozygote. Study: Yale Center for Mendelian Genomics. Not counted in ClinVar's aggregate classification.

Literature cited by the submitters: PubMed 30773290 (cited by Yale Center for Mendelian Genomics, Yale University).